The following is an entry in ClinVar:

ClinVar aggregate classification (germline): Uncertain significance. Review status: criteria provided, multiple submitters, no conflicts (2 of 4 stars). 2 submissions from 2 submitters: Uncertain significance (2). Last evaluated 2025-06-18.

Conditions:
Catecholaminergic polymorphic ventricular tachycardia 1. Also called: VENTRICULAR TACHYCARDIA, CATECHOLAMINERGIC POLYMORPHIC, 1, WITH OR WITHOUT ATRIAL DYSFUNCTION AND/OR DILATED CARDIOMYOPATHY; VENTRICULAR TACHYCARDIA, STRESS-INDUCED POLYMORPHIC 1; RYR2-Related Catecholaminergic Polymorphic Ventricular Tachycardia. Identifiers: Orphanet 3286, MedGen C1631597, MONDO:0011484, OMIM 604772.
Cardiovascular phenotype. Identifiers: MedGen CN230736.

Allele frequency attached by ClinVar (database versions not stated): gnomAD exomes below 0.00001; TOPMed below 0.00001; ExAC 0.00001.
gnomAD v4.1: 4 of 1,613,110 alleles (0.00025%); highest among the groups gnomAD compares: South Asian, 0.0033%; no homozygotes.

Submissions (2):

Ambry Genetics
Classification: Uncertain significance for Cardiovascular phenotype. Last evaluated: 2025-06-18. Review status: criteria provided, single submitter. Criteria: Ambry Variant Classification Scheme 2023. Collection method: clinical testing. Allele origin: germline.
Comment: The c.10324-3T>C intronic variant results from a T to C substitution 3 nucleotides upstream from coding exon 72 in the RYR2 gene. This nucleotide position is not well conserved in available vertebrate species. In silico splice site analysis predicts that this alteration will not have any significant effect on splicing. Based on the available evidence, the clinical significance of this variant remains unclear.

Labcorp Genetics (formerly Invitae), Labcorp
Classification: Uncertain significance for Catecholaminergic polymorphic ventricular tachycardia 1. Last evaluated: 2025-05-22. Review status: criteria provided, single submitter. Criteria: Invitae Variant Classification Sherloc (09022015). Collection method: clinical testing. Allele origin: germline.
Comment: This sequence change falls in intron 71 of the RYR2 gene. It does not directly change the encoded amino acid sequence of the RYR2 protein. It affects a nucleotide within the consensus splice site. This variant is present in population databases (rs779106765, gnomAD 0.007%). This variant has not been reported in the literature in individuals affected with RYR2-related conditions. ClinVar contains an entry for this variant (Variation ID: 1771414). Variants that disrupt the consensus splice site are a relatively common cause of aberrant splicing (PMID: 17576681, 9536098). Algorithms developed to predict the effect of sequence changes on RNA splicing suggest that this variant is not likely to affect RNA splicing. In summary, the available evidence is currently insufficient to determine the role of this variant in disease. Therefore, it has been classified as a Variant of Uncertain Significance.

Literature cited by the submitters: PubMed 17576681 (cited by Labcorp Genetics (formerly Invitae), Labcorp); PubMed 9536098 (cited by Labcorp Genetics (formerly Invitae), Labcorp).

NM_001035.3(RYR2):c.10324-3T>C

Gene: RYR2 (ryanodine receptor 2; plus strand). Cytogenetic location: 1q43.
Variant type: single nucleotide variant.
Coding change: c.10324-3T>C on transcript NM_001035.3 (MANE Select); 3 bases into the intron before coding-DNA position 10324, T replaced by C.
Molecular consequence: intron variant.
Genome position (GRCh38, 1-based): chr1:237,717,195, T>C. VCF-style: chr1-237717195-T-C. GRCh37 (hg19) VCF-style: chr1-237880495-T-C.
Identifiers: ClinVar variation 1771414 (VCV001771414.4), dbSNP rs779106765, ClinGen allele CA084285.